The following is an entry in ClinVar:

ClinVar aggregate classification (germline): Pathogenic/Likely pathogenic. Review status: criteria provided, multiple submitters, no conflicts (2 of 4 stars). 8 submissions from 8 submitters: Pathogenic (2); Likely pathogenic (6). Last evaluated 2025-11-24.

Conditions:
Mitochondrial disease. Also called: Mitochondrial disorders; Mitochondrial disorder. Identifiers: Orphanet 68380, MedGen C0751651, MeSH D028361, MONDO:0044970.
Mitochondrial DNA depletion syndrome, myopathic form (MTDPS2). Also called: TK2-Related Mitochondrial DNA Maintenance Defect, Myopathic Form; MITOCHONDRIAL DNA DEPLETION SYNDROME 2 (MYOPATHIC TYPE); MITOCHONDRIAL DNA DEPLETION MYOPATHY, TK2-RELATED. Identifiers: Orphanet 254875, MedGen C3149750, MONDO:0012301, OMIM 609560.
Progressive external ophthalmoplegia with mitochondrial DNA deletions, autosomal recessive 3 (PEOB3). Also called: PROGRESSIVE EXTERNAL OPHTHALMOPLEGIA, AUTOSOMAL RECESSIVE 3. Identifiers: Orphanet 254886, MedGen C4310734, MONDO:0014898, OMIM 617069.
TK2-related disorder. Also called: TK2-related condition.

Allele frequency attached by ClinVar (database versions not stated): gnomAD 0.00001; ExAC 0.00002; gnomAD exomes 0.00002.

Submissions (8):

Genomenon, Inc
Classification: Likely pathogenic for Mitochondrial disease. Last evaluated: 2025-11-24. Review status: criteria provided, single submitter. Criteria: Genomenon Sequence Variant Interpretation Standards - Updated. Collection method: curation. Allele origin: germline. Affected: no.
Comment: TK2 p.Tyr148IlefsTer12 (c.441del) is a frameshift variant that results in the production of a truncated protein which is predicted to undergo nonsense-mediated mRNA decay. This variant has not been reported in patients affected with a TK2-related phenotype in the published literature. This variant is not present at a significant frequency in gnomAD. In conclusion, we classify TK2 p.Tyr148IlefsTer12 (c.441del) as a likely pathogenic variant.

PreventionGenetics, part of Exact Sciences
Classification: Likely pathogenic for TK2-related condition. Last evaluated: 2025-02-03. Review status: criteria provided, single submitter. Criteria: ACMG Guidelines, 2015. Collection method: clinical testing. Allele origin: germline.
Comment: The TK2 c.441delG variant is predicted to result in a frameshift and premature protein termination (p.Tyr148Ilefs*12). To our knowledge, this variant has not been reported in the literature. This variant is reported in 0.020% of alleles in individuals of South Asian descent in gnomAD. Frameshift variants in TK2 are expected to be pathogenic. This variant is interpreted as likely pathogenic.

Labcorp Genetics (formerly Invitae), Labcorp
Classification: Pathogenic. Last evaluated: 2024-06-28. Review status: criteria provided, single submitter. Criteria: Invitae Variant Classification Sherloc (09022015). Collection method: clinical testing. Allele origin: germline.
Comment: This sequence change creates a premature translational stop signal (p.Tyr148Ilefs*12) in the TK2 gene. It is expected to result in an absent or disrupted protein product. Loss-of-function variants in TK2 are known to be pathogenic (PMID: 20421844). This variant is present in population databases (rs768548319, gnomAD 0.02%). This variant has not been reported in the literature in individuals affected with TK2-related conditions. ClinVar contains an entry for this variant (Variation ID: 1323691). For these reasons, this variant has been classified as Pathogenic.

GeneDx
Classification: Pathogenic. Last evaluated: 2024-02-15. Review status: criteria provided, single submitter. Criteria: GeneDx Variant Classification Process June 2021. Collection method: clinical testing. Allele origin: germline. Affected: yes.
Comment: Frameshift variant predicted to result in protein truncation or nonsense mediated decay in a gene for which loss of function is a known mechanism of disease; Has not been previously published as pathogenic or benign to our knowledge

Neuberg Centre For Genomic Medicine, NCGM
Classification: Likely pathogenic for Mitochondrial DNA depletion syndrome, myopathic form. Last evaluated: 2023-06-22. Review status: criteria provided, single submitter. Criteria: ACMG Guidelines, 2015. Collection method: clinical testing. Allele origin: germline. Inheritance: Autosomal recessive inheritance. Affected: yes.
Comment: The observed frameshift variant c.441delp.Tyr148IlefsTer12 in TK2 gene has not been reported previously as a pathogenic variant nor as a benign variant, to our knowledge. The c.441del variant is reported with 0.002% allele frequency in gnomAD Exomes. This variant has been reported to the ClinVar database as Likely Pathogenic. However, no details are available for independent assessment. This variant causes a frameshift starting with codon Tyrosine 148, changes this amino acid to Isoleucine residue, and creates a premature Stop codon at position 12 of the new reading frame, denoted p.Tyr148IlefsTer12. This variant is predicted to cause loss of normal protein function through protein truncation. Loss of function variants have been previously reported to be disease causing Martí R, et al.., 2010. For these reasons, this variant has been classified as Likely Pathogenic.

CeGaT Center for Human Genetics Tuebingen
Classification: Likely pathogenic. Last evaluated: 2023-01-01. Review status: criteria provided, single submitter. Criteria: CeGaT Center For Human Genetics Tuebingen Variant Classification Criteria Version 2. Collection method: clinical testing. Allele origin: germline. Affected: yes. Observed: 1 variant allele.
Comment: TK2: PVS1:Strong, PM2

Revvity Omics, Revvity
Classification: Likely pathogenic. Last evaluated: 2022-11-15. Review status: criteria provided, single submitter. Criteria: ACMG Guidelines, 2015. Collection method: clinical testing. Allele origin: germline.

New York Genome Center
Classification: Likely pathogenic for Progressive external ophthalmoplegia with mitochondrial DNA deletions, autosomal recessive 3; Mitochondrial DNA depletion syndrome, myopathic form. Last evaluated: 2022-09-22. Review status: criteria provided, single submitter. Criteria: NYGC Assertion Criteria 2020. Collection method: clinical testing. Allele origin: inherited. Affected: yes. Observed: 1 homozygote. Study: PrenatalSEQ.
Comment: The homozygous c.441del, p.(Tyr148IlefsTer12) variant identified in the TK2 gene is the deletion of a single nucleotide within exon 6/10 (amino acid 148/266) and is predicted to lead to a frameshift and a premature termination of the protein approximately 12 amino acids downstream. This variant is identified with low frequency in population databases (gnomADv2.1.1, gnomADv3.1.2, TOPMed Freeze 8, All of Us), with highest allele frequency of 2.45e-5 (gnomADv2.1.1, 0 homozygotes), suggesting it is not a common benign variant in the populations represented in those databases. This variant has been reported by a clinical lab as Pathogenic in ClinVar (VarID:1323691), however the assertion criteria used for that classification is not available for our review. Other nonsense and frameshift variants downstream of the one identified here have also been reported as Pathogenic or Likely Pathogenic in ClinVar (VarIDs:1327192, 280624, 1414250). While the p.(Tyr148IlefsTer12) variant has not been previously reported in affected individuals in the literature, other nonsense and frameshift variants downstream have been reported in individuals with variable clinical presentations [for review, PMID:29735374, 29602790]. Given its deleterious nature and absence in population databases, the homozygous c.441del, p.(Tyr148IlefsTer12) variant identified in the TK2 gene is reported here as Likely Pathogenic.

Literature cited by the submitters: PubMed 20421844 (cited by Labcorp Genetics (formerly Invitae), Labcorp).

NM_004614.5(TK2):c.441del (p.Tyr148fs)

Gene: TK2 (thymidine kinase 2; minus strand). Cytogenetic location: 16q21.
Variant type: Deletion.
Coding change: c.441del on transcript NM_004614.5 (MANE Select); coding-DNA position 441, one base deleted (G; older notation c.441delG).
Protein change: p.Tyr148fs; shifts the reading frame from tyrosine 148.
Molecular consequence: frameshift variant. On other transcripts: non-coding transcript variant (1).
Genome position (GRCh38, 1-based): chr16:66,529,002, C deleted on the plus strand (G on the coding strand, the reverse complement: TK2 is on the minus strand). VCF-style (leftmost placement, unchanged base first): chr16-66529001-AC-A. GRCh37 (hg19) VCF-style: chr16-66562904-AC-A.
Other names: c.441delG (NM_004614.4); c.348del, p.Tyr117fs (NM_001172643.1, NM_001271935.1); c.366del, p.Tyr123fs (NM_001172644.2); c.387del, p.Tyr130fs (NM_001172645.2); c.294del, p.Tyr99fs (NM_001271934.2); c.150del, p.Tyr51fs (NM_001272050.2); short protein forms Y117fs, Y123fs, Y130fs, Y148fs, Y51fs, Y99fs.
Identifiers: ClinVar variation 1323691 (VCV001323691.40), dbSNP rs768548319, ClinGen allele CA8093674.